The following is an entry in ClinVar:

NM_003743.5(NCOA1):c.2128G>C (p.Asp710His)

Gene: NCOA1 (nuclear receptor coactivator 1; plus strand). Cytogenetic location: 2p23.3.
Variant type: single nucleotide variant.
Coding change: c.2128G>C on transcript NM_003743.5 (MANE Select); coding-DNA position 2128, G replaced by C.
Protein change: p.Asp710His; replaces aspartic acid 710 with histidine.
Molecular consequence: missense variant.
Genome position (GRCh38, 1-based): chr2:24,707,598, G>C. VCF-style: chr2-24707598-G-C. GRCh37 (hg19) VCF-style: chr2-24930467-G-C.
Other names: c.2128G>C, p.Asp710His (NM_001362950.1, NM_001362952.1, NM_001362954.1 and 3 more transcripts); short protein forms D710H.
Identifiers: ClinVar variation 3350316 (VCV003350316.1).

ClinVar aggregate classification (germline): Uncertain significance (0 of 4 stars; one submission).

Conditions:
NCOA1-related disorder. Also called: NCOA1-related condition.

Submission:

PreventionGenetics, part of Exact Sciences
Classification: Uncertain significance for NCOA1-related condition. Last evaluated: 2024-09-06. Review status: no assertion criteria provided. Collection method: clinical testing. Allele origin: germline.
Comment: The NCOA1 c.2128G>C variant is predicted to result in the amino acid substitution p.Asp710His. This variant was reported in an adult from a large cohort with severe obesity; however, no additional evidence was provided to support causation (Cacciottolo et al. 2022. PMID: 35137184). This variant is reported in 0.0093% of alleles in individuals of European (Non-Finnish) descent in gnomAD. At this time, the clinical significance of this variant is uncertain due to the absence of conclusive functional and genetic evidence.